The following is an entry in ClinVar:

NM_001543.5(NDST1):c.513+4C>A

Gene: NDST1 (N-deacetylase and N-sulfotransferase 1; plus strand). Cytogenetic location: 5q33.1.
Variant type: single nucleotide variant.
Coding change: c.513+4C>A on transcript NM_001543.5 (MANE Select); 4 bases into the intron after coding-DNA position 513, C replaced by A.
Molecular consequence: intron variant.
Genome position (GRCh38, 1-based): chr5:150,521,771, C>A. VCF-style: chr5-150521771-C-A. GRCh37 (hg19) VCF-style: chr5-149901333-C-A.
Other names: c.513+4C>A (NM_001301063.2, NM_001543.4).
Identifiers: ClinVar variation 2189019 (VCV002189019.7), dbSNP rs369527393, ClinGen allele CA3512412.
Genomic context (GRCh38, chr5:150,521,771, plus strand): 5'-GAGCTGCTGGACAAGTACTGTGTGGCCTACGGCGTGGGCATCATTGGCTTCTTCAAGGTA[C>A]ACAAGAAGCAGGGTCCCCGAGCAGTTCAGAGCCCCCTCTGCAGCTCAGTGCCTGAATTCT-3'

ClinVar aggregate classification (germline): Likely benign. Review status: criteria provided, multiple submitters, no conflicts (2 of 4 stars). 3 submissions from 3 submitters: Likely benign (2). 1 of the submissions does not count toward it. Last evaluated 2025-04-19.

Conditions:
NDST1-related disorder. Also called: NDST1-related condition.

Allele frequency attached by ClinVar (database versions not stated): TOPMed 0.00011; gnomAD exomes 0.00015; ExAC 0.00020; gnomAD 0.00027; ESP Exome Variant Server 0.00031.
gnomAD v4.1: 259 of 1,612,722 alleles (0.016%); highest among the groups gnomAD compares: Non-Finnish European, 0.016%; no homozygotes.

Submissions (3):

Labcorp Genetics (formerly Invitae), Labcorp
Classification: Likely benign. Last evaluated: 2025-04-19. Review status: criteria provided, single submitter. Criteria: Invitae Variant Classification Sherloc (09022015). Collection method: clinical testing. Allele origin: germline.

Blueprint Genetics
Classification: Likely benign. Last evaluated: 2024-11-21. Review status: criteria provided, single submitter. Criteria: ACMG Guidelines, 2015. Collection method: clinical testing. Allele origin: germline.

PreventionGenetics, part of Exact Sciences
Classification: Likely benign for NDST1-related condition. Last evaluated: 2019-04-15. Review status: no assertion criteria provided. Collection method: clinical testing. Allele origin: germline. Not counted in ClinVar's aggregate classification.
Comment: This variant is classified as likely benign based on ACMG/AMP sequence variant interpretation guidelines (Richards et al. 2015 PMID: 25741868, with internal and published modifications).